The following is an entry in ClinVar:

NM_000329.3(RPE65):c.907A>T (p.Lys303Ter)

Gene: RPE65 (retinoid isomerohydrolase RPE65; minus strand). Cytogenetic location: 1p31.3.
Variant type: single nucleotide variant.
Coding change: c.907A>T on transcript NM_000329.3 (MANE Select); coding-DNA position 907, A replaced by T.
Protein change: p.Lys303Ter; replaces lysine 303 with a stop codon.
Molecular consequence: nonsense.
Genome position (GRCh38, 1-based): chr1:68,439,033, T>A on the plus strand (A>T on the coding strand, the complement: RPE65 is on the minus strand). VCF-style: chr1-68439033-T-A. GRCh37 (hg19) VCF-style: chr1-68904716-T-A.
Other names: NM_000329.3(RPE65):c.907A>T; p.Lys303Ter; short protein forms K303*.
Identifiers: ClinVar variation 29872 (VCV000029872.10), dbSNP rs61752904, ClinGen allele CA226589.

ClinVar aggregate classification (germline): Pathogenic. Review status: reviewed by expert panel (3 of 4 stars). 9 submissions from 9 submitters: Pathogenic (1). 8 of the submissions do not count toward it. Last evaluated 2024-02-20.

Conditions:
RPE65-related recessive retinopathy. Also called: Recessive RPE65 retinopathy. Identifiers: MedGen CN305526, MONDO:0100368.
Retinitis pigmentosa 87 with choroidal involvement. Identifiers: MedGen C5231465, MONDO:0032873, OMIM 618697.
Retinitis pigmentosa 20 (RP20). Identifiers: Orphanet 791, MedGen C3151086, MONDO:0013425, OMIM 613794.
Leber congenital amaurosis 2 (LCA2). Also called: Autosomal Recessive RPE65-Related Retinal Degeneration; AMAUROSIS CONGENITA OF LEBER II. Identifiers: Orphanet 65, MedGen C1859844, MONDO:0008765, OMIM 204100. Disease mechanism: loss of function.
RPE65-related disorder. Also called: RPE65-related condition; RPE65-related disorders. Identifiers: MedGen CN239301.

Allele frequency attached by ClinVar (database versions not stated): gnomAD 0.00001; gnomAD exomes 0.00001; TOPMed 0.00001.

Submissions (9):

ClinGen Leber Congenital Amaurosis/early Onset Retinal Dystrophy Variant Curation Expert Panel, ClinGen
Classification: Pathogenic for RPE65-related recessive retinopathy. Last evaluated: 2024-02-20. Review status: reviewed by expert panel. Criteria: ClinGen LCAeoRD ACMG Specifications RPE65 V1.0.0. Collection method: curation. Allele origin: germline. Inheritance: Autosomal recessive inheritance.
Comment: NM_000329.3(RPE65):c.907A>T (p.Lys303Ter) is a nonsense variant that introduces a premature stop codon into exon 9 of 14, and is predicted to lead to nonsense-mediated decay in a gene in which loss-of-function is an established mechanism of disease (PVS1). This variant is absent from gnomAD v2.1.1 (PM2_Supporting). At least one proband harboring this variant exhibits a phenotype including diagnosis of Leber congenital amaurosis (0.5 pts) with infantile onset (1 pt), night blindness (0.5 pts), reduced visual acuity (0.5 pts), absence of electroretinogram responses from rods (0.5 pts) and cones, nystagmus (1 pt), loss of color vision (1 pt), severely constricted visual fields (1 pt), optic nerve head pallor (0.5 pts), attenuation of retinal arterioles (0.5 pts) with pigmentary changes, macular atrophy (0.5 pts), and significant improvement of dark-adapted vision following RPE65 gene therapy (8 pts), which together are highly specific for RPE65-related recessive retinopathy (15.5 total pts, PMID: 14962443, PMID: 22323828, PP4_Moderate). In summary, this variant meets the criteria to be classified as pathogenic for RPE65-related recessive retinopathy based on the ACMG/AMP criteria applied, as specified by the ClinGen LCA / eoRD VCEP: PVS1, PM2_supporting, and PP4_Moderate. (VCEP specifications version 1.0.0; date of approval 09/21/2023).

Myriad Genetics, Inc.
Classification: Pathogenic for RPE65-related recessive retinopathy. Last evaluated: 2024-05-14. Review status: criteria provided, single submitter. Criteria: Myriad Autosomal Dominant, Autosomal Recessive and X-Linked Classification Criteria (2023). Collection method: clinical testing. Allele origin: unknown. Not counted in ClinVar's aggregate classification.
Comment: NM_000329.2(RPE65):c.907A>T(K303*) is expected to be pathogenic in the context of inherited retinal dystrophy, RPE65-related. This variant is predicted to lead to an abnormal or absent protein product due to the creation of a premature termination codon in RPE65, a gene where loss-of-function variants are known to be pathogenic. Please note: this variant was assessed in the context of healthy population screening.

Labcorp Genetics (formerly Invitae), Labcorp
Classification: Pathogenic for Leber congenital amaurosis 2; Retinitis pigmentosa 20. Last evaluated: 2023-09-29. Review status: criteria provided, single submitter. Criteria: Invitae Variant Classification Sherloc (09022015). Collection method: clinical testing. Allele origin: germline. Not counted in ClinVar's aggregate classification.
Comment: This sequence change creates a premature translational stop signal (p.Lys303*) in the RPE65 gene. It is expected to result in an absent or disrupted protein product. Loss-of-function variants in RPE65 are known to be pathogenic (PMID: 9326941, 9501220, 9843205, 18632300). This variant is not present in population databases (gnomAD no frequency). This premature translational stop signal has been observed in individual(s) with Leber congenital amaurosis (LCA) (PMID: 14962443). In at least one individual the data is consistent with being in trans (on the opposite chromosome) from a pathogenic variant. ClinVar contains an entry for this variant (Variation ID: 29872). For these reasons, this variant has been classified as Pathogenic.

Baylor Genetics
Classification: Pathogenic for Leber congenital amaurosis 2. Last evaluated: 2022-08-08. Review status: criteria provided, single submitter. Criteria: ACMG Guidelines, 2015. Collection method: clinical testing. Allele origin: unknown. Not counted in ClinVar's aggregate classification.

Blueprint Genetics
Classification: Likely pathogenic for RPE65-related disorders. Last evaluated: 2022-07-28. Review status: criteria provided, single submitter. Criteria: ACMG Guidelines, 2015. Collection method: clinical testing. Allele origin: germline. Affected: yes. Observed: 1 variant allele. Not counted in ClinVar's aggregate classification.

Fulgent Genetics
Classification: Pathogenic for Leber congenital amaurosis 2; Retinitis pigmentosa 20; Retinitis pigmentosa 87 with choroidal involvement. Last evaluated: 2022-03-23. Review status: criteria provided, single submitter. Criteria: ACMG Guidelines, 2015. Collection method: clinical testing. Allele origin: unknown. Not counted in ClinVar's aggregate classification.

GeneDx
Classification: Pathogenic. Last evaluated: 2016-01-22. Review status: criteria provided, single submitter. Criteria: GeneDx Variant Classification (06012015). Collection method: clinical testing. Allele origin: germline. Affected: yes. Not counted in ClinVar's aggregate classification.
Comment: The K303X variant in the RPE65 gene has been reported previously in the compound heterozygous state, opposite of a second RPE65 variant, in individuals affected with an RPE65-related disorder (Al-Khayer et al., 2004; Jacobson et al., 2005; Stone, et al., 2007). This variant is predicted to cause loss of normal protein function either through protein truncation or nonsense-mediated mRNA decay. The K303X variant was not observed in approximately 6500 individuals of European and African American ancestry in the NHLBI Exome Sequencing Project, indicating it is not a common benign variant in these populations. Therefore, we interpret K303X as a pathogenic variant.

OMIM
Classification: Pathogenic for LEBER CONGENITAL AMAUROSIS 2. Last evaluated: 2004-02-01. Review status: no assertion criteria provided. Collection method: literature only. Allele origin: germline. Not counted in ClinVar's aggregate classification.

Retina International
No classification provided. Review status: no classification provided. Collection method: not provided. Allele origin: not provided. Not counted in ClinVar's aggregate classification.

Literature cited by the submitters: PubMed 9326941 (cited by Labcorp Genetics (formerly Invitae), Labcorp); PubMed 9501220 (cited by Labcorp Genetics (formerly Invitae), Labcorp); PubMed 9843205 (cited by Labcorp Genetics (formerly Invitae), Labcorp); PubMed 18632300 (cited by Labcorp Genetics (formerly Invitae), Labcorp); PubMed 14962443 (cited by Labcorp Genetics (formerly Invitae), Labcorp and OMIM).